The following is an entry in ClinVar:

ClinVar aggregate classification (germline): Pathogenic (1 of 4 stars; one submission).

Allele frequency attached by ClinVar (database versions not stated): gnomAD exomes below 0.00001; gnomAD 0.00002.

Submission:

Labcorp Genetics (formerly Invitae), Labcorp
Classification: Pathogenic. Last evaluated: 2025-03-04. Review status: criteria provided, single submitter. Criteria: Invitae Variant Classification Sherloc (09022015). Collection method: clinical testing. Allele origin: germline.
Comment: This sequence change creates a premature translational stop signal (p.Tyr5*) in the DNAJC21 gene. It is expected to result in an absent or disrupted protein product. Loss-of-function variants in DNAJC21 are known to be pathogenic (PMID: 27346687, 28062395). This variant is present in population databases (no rsID available, gnomAD 0.01%). This variant has not been reported in the literature in individuals affected with DNAJC21-related conditions. ClinVar contains an entry for this variant (Variation ID: 2807142). For these reasons, this variant has been classified as Pathogenic.

Literature cited by the submitters: PubMed 27346687; PubMed 28062395.

NM_001012339.3(DNAJC21):c.15T>G (p.Tyr5Ter)

Genes: DNAJC21 (DnaJ heat shock protein family (Hsp40) member C21; plus strand), LOC129993792 (ATAC-STARR-seq lymphoblastoid silent region 15969; plus strand). Cytogenetic location: 5p13.2.
Variant type: single nucleotide variant.
Coding change: c.15T>G on transcript NM_001012339.3 (MANE Select); coding-DNA position 15, T replaced by G.
Protein change: p.Tyr5Ter; replaces tyrosine 5 with a stop codon.
Molecular consequence: nonsense.
Genome position (GRCh38, 1-based): chr5:34,929,834, T>G. VCF-style: chr5-34929834-T-G. GRCh37 (hg19) VCF-style: chr5-34929939-T-G.
Other names: c.15T>G, p.Tyr5Ter (NM_001348420.2, NM_194283.4); short protein forms Y5*.
Identifiers: ClinVar variation 2807142 (VCV002807142.3), dbSNP rs1396292043, ClinGen allele CA359409743.
Genomic context (GRCh38, chr5:34,929,834, plus strand): 5'-CGACCCCGTCCCGGGCCCCAGCGCCGGCCGCCCGCCCGGTCGGGCGATGAAGTGTCACTA[T>G]GAGGCGCTGGGGGTGCGGCGCGACGCCAGCGAGGAGGAGCTCAAGAAGGCCTATCGGAAG-3'